The following is an entry in ClinVar:

ClinVar aggregate classification (germline): Benign/Likely benign. Review status: criteria provided, multiple submitters, no conflicts (2 of 4 stars). 4 submissions from 4 submitters: Benign (1); Likely benign (2). 1 of the submissions does not count toward it. Last evaluated 2026-05-01.

Conditions:
NBAS-related disorder. Also called: NBAS-related condition.

Allele frequency attached by ClinVar (database versions not stated): gnomAD exomes 0.00007 and 0.00016; ExAC 0.00017; 1000 Genomes Project 0.00060; 1000 Genomes Project 30x 0.00062; gnomAD 0.00070 and 0.00076; TOPMed 0.00072; ESP Exome Variant Server 0.00123.
gnomAD v4.1: 216 of 1,614,060 alleles (0.013%); highest among the groups gnomAD compares: African/African-American, 0.26%; no homozygotes.

Submissions (4):

CeGaT Center for Human Genetics Tuebingen
Classification: Likely benign. Last evaluated: 2026-05-01. Review status: criteria provided, single submitter. Criteria: CeGaT Center For Human Genetics Tuebingen Variant Classification Criteria Version 2. Collection method: clinical testing. Allele origin: germline. Affected: yes. Observed: 2 variant alleles.
Comment: NBAS: BP4, BP7

Labcorp Genetics (formerly Invitae), Labcorp
Classification: Benign. Last evaluated: 2026-01-26. Review status: criteria provided, single submitter. Criteria: Invitae Variant Classification Sherloc (09022015). Collection method: clinical testing. Allele origin: germline.

Blueprint Genetics
Classification: Likely benign. Last evaluated: 2024-11-15. Review status: criteria provided, single submitter. Criteria: ACMG Guidelines, 2015. Collection method: clinical testing. Allele origin: germline.

PreventionGenetics, part of Exact Sciences
Classification: Likely benign for NBAS-related condition. Last evaluated: 2023-12-04. Review status: no assertion criteria provided. Collection method: clinical testing. Allele origin: germline. Not counted in ClinVar's aggregate classification.
Comment: This variant is classified as likely benign based on ACMG/AMP sequence variant interpretation guidelines (Richards et al. 2015 PMID: 25741868, with internal and published modifications).

NM_015909.4(NBAS):c.2565T>C (p.His855=)

Gene: NBAS (NBAS subunit of NRZ tethering complex; minus strand). Cytogenetic location: 2p24.3.
Variant type: single nucleotide variant.
Coding change: c.2565T>C on transcript NM_015909.4 (MANE Select); coding-DNA position 2565, T replaced by C.
Protein change: p.His855=; no amino-acid change (histidine 855 retained).
Molecular consequence: synonymous variant. On other transcripts: non-coding transcript variant (1).
Genome position (GRCh38, 1-based): chr2:15,424,327, A>G on the plus strand (T>C on the coding strand, the complement: NBAS is on the minus strand). VCF-style: chr2-15424327-A-G. GRCh37 (hg19) VCF-style: chr2-15564451-A-G.
Other names: c.2565T>C (NM_015909.3).
Identifiers: ClinVar variation 1627396 (VCV001627396.17), dbSNP rs137982469, ClinGen allele CA1536325.